The following is an entry in ClinVar:

ClinVar aggregate classification (germline): Uncertain significance. Review status: criteria provided, multiple submitters, no conflicts (2 of 4 stars). 2 submissions from 2 submitters: Uncertain significance (2). Last evaluated 2025-09-01.

Allele frequency attached by ClinVar (database versions not stated): gnomAD exomes 0.00001.
gnomAD v4.1: 4 of 1,612,026 alleles (0.00025%); highest among the groups gnomAD compares: Non-Finnish European, 0.00034%; no homozygotes.

Submissions (2):

CeGaT Center for Human Genetics Tuebingen
Classification: Uncertain significance. Last evaluated: 2025-09-01. Review status: criteria provided, single submitter. Criteria: CeGaT Center For Human Genetics Tuebingen Variant Classification Criteria Version 2. Collection method: clinical testing. Allele origin: germline. Affected: yes. Observed: 1 variant allele.
Comment: ARPC1B: PM2, PM3:Supporting, PP3

Labcorp Genetics (formerly Invitae), Labcorp
Classification: Uncertain significance. Last evaluated: 2020-11-18. Review status: criteria provided, single submitter. Criteria: Invitae Variant Classification Sherloc (09022015). Collection method: clinical testing. Allele origin: germline.
Comment: In summary, the available evidence is currently insufficient to determine the role of this variant in disease. Therefore, it has been classified as a Variant of Uncertain Significance. Algorithms developed to predict the effect of missense changes on protein structure and function are either unavailable or do not agree on the potential impact of this missense change (SIFT: "Deleterious"; PolyPhen-2: "Benign"; Align-GVGD: "Class C65"). This variant has been observed in individual(s) with clinical features of ARPC1B deficiency (Invitae). This variant is not present in population databases (ExAC no frequency). This sequence change replaces isoleucine with threonine at codon 67 of the ARPC1B protein (p.Ile67Thr). The isoleucine residue is highly conserved and there is a moderate physicochemical difference between isoleucine and threonine.

NM_005720.4(ARPC1B):c.200T>C (p.Ile67Thr)

Gene: ARPC1B (actin related protein 2/3 complex subunit 1B; plus strand). Cytogenetic location: 7q22.1.
Variant type: single nucleotide variant.
Coding change: c.200T>C on transcript NM_005720.4 (MANE Select); coding-DNA position 200, T replaced by C.
Protein change: p.Ile67Thr; replaces isoleucine 67 with threonine.
Molecular consequence: missense variant.
Genome position (GRCh38, 1-based): chr7:99,388,069, T>C. VCF-style: chr7-99388069-T-C. GRCh37 (hg19) VCF-style: chr7-98985692-T-C.
Other names: short protein forms I67T.
Identifiers: ClinVar variation 1045125 (VCV001045125.15), dbSNP rs1794451329, ClinGen allele CA368316838.